The following is an entry in ClinVar:

NM_006915.3(RP2):c.843_844insTTTTTTTTTTTTTTTTTTTTNNNNNNNNNNTGACCTCGTGATCCGCCCGCCTCGGCCTCCCAAAGTGCTGGGATTACAGGCGTGAGCCACCGCGCCCGGCCCGCTCAAAGGGTTTTT (p.Arg282delinsPhePhePhePhePhePheXaaXaaXaaXaaTer)

Gene: RP2 (RP2 activator of ARL3 GTPase; plus strand). Cytogenetic location: Xp11.3.
Variant type: Insertion.
Coding change: c.843_844insTTTTTTTTTTTTTTTTTTTTNNNNNNNNNNTGACCTCGTGATCCGCCCGCCTCGGCCTCCCAAAGTGCTGGGATTACAGGCGTGAGCCACCGCGCCCGGCCCGCTCAAAGGGTTTTT on transcript NM_006915.3 (MANE Select); coding-DNA positions 843 to 844, TTTTTTTTTTTTTTTTTTTTNNNNNNNNNNTGACCTCGTGATCCGCCCGCCTCGGCCTCCCAAAGTGCTGGGATTACAGGCGTGAGCCACCGCGCCCGGCCCGCTCAAAGGGTTTTT inserted.
Protein change: p.Arg282delinsPhePhePhePhePhePheXaaXaaXaaXaaTer.
Molecular consequence: nonsense.
Genome position: GRCh38: chrX:46,860,062-46,860,063. GRCh37 (hg19): chrX:46,719,497-46,719,498.
Identifiers: ClinVar variation 2007520 (VCV002007520.4), dbSNP rs2519918613.

ClinVar aggregate classification (germline): Pathogenic (1 of 4 stars; one submission).

Submission:

Labcorp Genetics (formerly Invitae), Labcorp
Classification: Pathogenic. Last evaluated: 2022-06-16. Review status: criteria provided, single submitter. Criteria: Invitae Variant Classification Sherloc (09022015). Collection method: clinical testing. Allele origin: germline.
Comment: For these reasons, this variant has been classified as Pathogenic. Retrotransposon insertions including LINE1 (L1), Alu, and SVA (SINE-VNTR-Alu) have been reported to be disease-causing through disruption of either a coding region or splice site (PMID: 19763152, 20307669, 22406018) and loss-of-function variants in RP2 are known to be pathogenic (PMID: 11992260, 20625056). Algorithms developed to predict the effect of sequence changes on RNA splicing suggest that this variant may disrupt the consensus splice site. This variant has not been reported in the literature in individuals affected with RP2-related conditions. This variant is not present in population databases (gnomAD no frequency). This sequence change inserts a large fragment of DNA, likely a transposable element, in exon 3 of the RP2 gene (c.843_844ins?), causing a frameshift at codon 282 (p.Arg282fs). The exact size and sequence of the insertion cannot be determined by the current assay. However, the insertion is expected to result in an absent or disrupted protein product.

Literature cited by the submitters: PubMed 19763152; PubMed 20307669; PubMed 22406018; PubMed 11992260; PubMed 20625056.